The following is an entry in ClinVar:

ClinVar aggregate classification (germline): Uncertain significance (1 of 4 stars; one submission).

Conditions:
Duane-radial ray syndrome (DRRS). Also called: ACRORENOOCULAR SYNDROME; DR SYNDROME; DUANE ANOMALY WITH RADIAL RAY ABNORMALITIES AND DEAFNESS; Duane-Radial Ray Syndrome/Okihiro Syndrome; Duane-Radial Ray Syndrome (DRRS) / Okihiro Syndrome; Okihiro Syndrome. Identifiers: Orphanet 93293, Orphanet 959, MedGen C1623209, MONDO:0011812, OMIM 607323. Disease mechanism: gain of function.

Submission:

Labcorp Genetics (formerly Invitae), Labcorp
Classification: Uncertain significance for Duane-radial ray syndrome. Last evaluated: 2022-06-29. Review status: criteria provided, single submitter. Criteria: Invitae Variant Classification Sherloc (09022015). Collection method: clinical testing. Allele origin: germline.
Comment: In summary, the available evidence is currently insufficient to determine the role of this variant in disease. Therefore, it has been classified as a Variant of Uncertain Significance. Algorithms developed to predict the effect of missense changes on protein structure and function are either unavailable or do not agree on the potential impact of this missense change (SIFT: "Deleterious"; PolyPhen-2: "Probably Damaging"; Align-GVGD: "Class C0"). This variant has not been reported in the literature in individuals affected with SALL4-related conditions. This variant is present in population databases (no rsID available, gnomAD 0.007%). This sequence change replaces histidine, which is basic and polar, with tyrosine, which is neutral and polar, at codon 11 of the SALL4 protein (p.His11Tyr).

NM_020436.5(SALL4):c.31C>T (p.His11Tyr)

Gene: SALL4 (spalt like transcription factor 4; minus strand). Cytogenetic location: 20q13.2.
Variant type: single nucleotide variant.
Coding change: c.31C>T on transcript NM_020436.5 (MANE Select); coding-DNA position 31, C replaced by T.
Protein change: p.His11Tyr; replaces histidine 11 with tyrosine.
Molecular consequence: missense variant.
Genome position (GRCh38, 1-based): chr20:51,802,378, G>A on the plus strand (C>T on the coding strand, the complement: SALL4 is on the minus strand). VCF-style: chr20-51802378-G-A. GRCh37 (hg19) VCF-style: chr20-50418917-G-A.
Other names: c.31C>T, p.His11Tyr (NM_001318031.2); short protein forms H11Y.
Identifiers: ClinVar variation 2012178 (VCV002012178.4), dbSNP rs1215106773, ClinGen allele CA409019600.